The following is an entry in ClinVar:

NM_001364905.1(LRBA):c.1793T>G (p.Phe598Cys)

Gene: LRBA (LPS responsive beige-like anchor protein; minus strand). Cytogenetic location: 4q31.3.
Variant type: single nucleotide variant.
Coding change: c.1793T>G on transcript NM_001364905.1 (MANE Select); coding-DNA position 1793, T replaced by G.
Protein change: p.Phe598Cys; replaces phenylalanine 598 with cysteine.
Molecular consequence: missense variant.
Genome position (GRCh38, 1-based): chr4:150,900,180, A>C on the plus strand (T>G on the coding strand, the complement: LRBA is on the minus strand). VCF-style: chr4-150900180-A-C. GRCh37 (hg19) VCF-style: chr4-151821332-A-C.
Other names: c.1793T>G, p.Phe598Cys (NM_001199282.3, NM_001367550.1, NM_006726.5); short protein forms F598C.
Identifiers: ClinVar variation 2012897 (VCV002012897.4), dbSNP rs201789012, ClinGen allele CA107816433.

ClinVar aggregate classification (germline): Uncertain significance (1 of 4 stars; one submission).

Conditions:
Combined immunodeficiency due to LRBA deficiency. Also called: Common variable immunodeficiency 8, with autoimmunity. Identifiers: Orphanet 445018, MedGen C3553512, MONDO:0013863, OMIM 614700.

Submission:

Labcorp Genetics (formerly Invitae), Labcorp
Classification: Uncertain significance for Combined immunodeficiency due to LRBA deficiency. Last evaluated: 2022-07-15. Review status: criteria provided, single submitter. Criteria: Invitae Variant Classification Sherloc (09022015). Collection method: clinical testing. Allele origin: germline.
Comment: This sequence change replaces phenylalanine, which is neutral and non-polar, with cysteine, which is neutral and slightly polar, at codon 598 of the LRBA protein (p.Phe598Cys). This variant is not present in population databases (gnomAD no frequency). This variant has not been reported in the literature in individuals affected with LRBA-related conditions. Algorithms developed to predict the effect of missense changes on protein structure and function are either unavailable or do not agree on the potential impact of this missense change (SIFT: "Deleterious"; PolyPhen-2: "Probably Damaging"; Align-GVGD: "Class C0"). In summary, the available evidence is currently insufficient to determine the role of this variant in disease. Therefore, it has been classified as a Variant of Uncertain Significance.